The following is an entry in ClinVar:

NM_004655.4(AXIN2):c.1800C>T (p.Pro600=)

Gene: AXIN2 (axin 2; minus strand). Cytogenetic location: 17q24.1.
Variant type: single nucleotide variant.
Coding change: c.1800C>T on transcript NM_004655.4 (MANE Select); coding-DNA position 1800, C replaced by T.
Protein change: p.Pro600=; no amino-acid change (proline 600 retained).
Molecular consequence: synonymous variant. On other transcripts: intron variant (1).
Genome position (GRCh38, 1-based): chr17:65,536,976, G>A on the plus strand (C>T on the coding strand, the complement: AXIN2 is on the minus strand). VCF-style: chr17-65536976-G-A. GRCh37 (hg19) VCF-style: chr17-63533094-G-A.
Other names: c.1712+348C>T (NM_001363813.1); c.1800C>T (LRG_296t1).
Identifiers: ClinVar variation 464572 (VCV000464572.17), dbSNP rs758310996, ClinGen allele CA8718529.
Genomic context (GRCh38, chr17:65,536,976, plus strand): 5'-CCAGACATCCTGCGACCTGTCTCCTTCCTCCCGGGGAAGCTGCAGGGCCCCAGCTCCGCC[G>A]GGGGCCCCTCCTTCCCTGGCGGGCAGGGCCAGGCCCGGCTCCGTGCCTTTCCCATTGCGT-3'
Protein context (NP_004646.3, residues 590-610): LALPAREGGA[Pro600=]GGAGALQLPR

ClinVar aggregate classification (germline): Benign/Likely benign. Review status: criteria provided, multiple submitters, no conflicts (2 of 4 stars). 4 submissions from 4 submitters: Benign (1); Likely benign (3). Last evaluated 2026-05-01.

Conditions:
Hereditary cancer-predisposing syndrome. Also called: Hereditary neoplastic syndrome; Neoplastic Syndromes, Hereditary; Hereditary Cancer Syndrome; Tumor predisposition. Identifiers: Orphanet 140162, MedGen C0027672, MeSH D009386, MONDO:0015356.
Oligodontia-cancer predisposition syndrome. Also called: TOOTH AGENESIS-COLORECTAL CANCER SYNDROME. Identifiers: Orphanet 300576, MedGen C1837750, MONDO:0012075, OMIM 608615. Disease mechanism: loss of function.

Allele frequency attached by ClinVar (database versions not stated): TOPMed below 0.00001; gnomAD exomes 0.00001 and 0.00002; ExAC 0.00002; gnomAD 0.00002.
gnomAD v4.1: 29 of 1,612,492 alleles (0.0018%); highest among the groups gnomAD compares: East Asian, 0.047%; no homozygotes.

Submissions (4):

CeGaT Center for Human Genetics Tuebingen
Classification: Likely benign. Last evaluated: 2026-05-01. Review status: criteria provided, single submitter. Criteria: CeGaT Center For Human Genetics Tuebingen Variant Classification Criteria Version 2. Collection method: clinical testing. Allele origin: germline. Affected: yes. Observed: 1 variant allele.
Comment: AXIN2: BP4, BP7

Labcorp Genetics (formerly Invitae), Labcorp
Classification: Likely benign for Oligodontia-cancer predisposition syndrome. Last evaluated: 2025-07-30. Review status: criteria provided, single submitter. Criteria: Invitae Variant Classification Sherloc (09022015). Collection method: clinical testing. Allele origin: germline.

Myriad Genetics, Inc.
Classification: Benign for Oligodontia-cancer predisposition syndrome. Last evaluated: 2024-07-08. Review status: criteria provided, single submitter. Criteria: Myriad Autosomal Dominant, Autosomal Recessive and X-Linked Classification Criteria (2023). Collection method: clinical testing. Allele origin: unknown.
Comment: This variant is considered benign. This variant is a silent/synonymous amino acid change and it is not expected to impact splicing.

Ambry Genetics
Classification: Likely benign for Hereditary cancer-predisposing syndrome. Last evaluated: 2020-08-17. Review status: criteria provided, single submitter. Criteria: Ambry Variant Classification Scheme 2023. Collection method: clinical testing. Allele origin: germline.